The following is an entry in ClinVar:

ClinVar aggregate classification (germline): Likely pathogenic (1 of 4 stars; one submission).

Conditions:
Ventricular arrhythmias due to cardiac ryanodine receptor calcium release deficiency syndrome. Also called: Autosomal dominant cardiac arrhythmia (Kuhn). Identifiers: MedGen C5542154, MONDO:0020745, OMIM 115000.

gnomAD v4.1: 1 of 1,613,972 alleles (0.000062%); highest among the groups gnomAD compares: South Asian, 0.0011%; no homozygotes.

Submission:

Centre for Medical Genetics,  Mumbai
Classification: Likely pathogenic for Ventricular arrhythmias due to cardiac ryanodine receptor calcium release deficiency syndrome. Last evaluated: 2026-04-20. Review status: criteria provided, single submitter. Criteria: ACMG Guidelines, 2015. Collection method: provider interpretation. Allele origin: germline. Inheritance: Autosomal dominant inheritance. Affected: yes. Observed: 1 variant allele, 1 heterozygote.
Comment: The variant satisfies PM1 criteria - non-truncating non-synonymous variant is located in a mutational hot spot and/or critical and well-established functional domain. The variant satisfies PP2 criteria - missense variant in a gene with low rate of benign missense mutations and for which missense mutation is a common mechanism of a disease. The variant satisfies PM2 criteria - extremely low frequency in gnomAD population databases. The variant satisfies PP3 criteria - for a missense or a splicing region variant, computational prediction tools unanimously support a deleterious effect on the gene. Hence, the variant is considered as a likely pathogenic variant for Ventricular arrhythmias due to cardiac ryanodine receptor calcium release deficiency syndrome.

Literature cited by the submitters: PubMed 33536282.

NM_001035.3(RYR2):c.6851G>A (p.Gly2284Asp)

Gene: RYR2 (ryanodine receptor 2; plus strand). Cytogenetic location: 1q43.
Variant type: single nucleotide variant.
Coding change: c.6851G>A on transcript NM_001035.3 (MANE Select); coding-DNA position 6851, G replaced by A.
Protein change: p.Gly2284Asp; replaces glycine 2284 with aspartic acid.
Molecular consequence: missense variant.
Genome position (GRCh38, 1-based): chr1:237,638,415, G>A. VCF-style: chr1-237638415-G-A. GRCh37 (hg19) VCF-style: chr1-237801715-G-A.
Other names: short protein forms G2284D.
Identifiers: ClinVar variation 4851557 (VCV004851557.1).